The following is an entry in ClinVar:

ClinVar aggregate classification (germline): Uncertain significance. Review status: criteria provided, multiple submitters, no conflicts (2 of 4 stars). 2 submissions from 2 submitters: Uncertain significance (2). Last evaluated 2022-09-01.

Conditions:
Epilepsy, progressive myoclonic, 1B. Also called: PME. Identifiers: Orphanet 308, MedGen C2676254, MONDO:0012904, OMIM 612437.

Allele frequency attached by ClinVar (database versions not stated): gnomAD exomes below 0.00001; ExAC 0.00001; TOPMed 0.00001.

Submissions (2):

Labcorp Genetics (formerly Invitae), Labcorp
Classification: Uncertain significance for Epilepsy, progressive myoclonic, 1B. Last evaluated: 2022-09-01. Review status: criteria provided, single submitter. Criteria: Invitae Variant Classification Sherloc (09022015). Collection method: clinical testing. Allele origin: germline.
Comment: In summary, the available evidence is currently insufficient to determine the role of this variant in disease. Therefore, it has been classified as a Variant of Uncertain Significance. Variants that disrupt the consensus splice site are a relatively common cause of aberrant splicing (PMID: 17576681, 9536098). Algorithms developed to predict the effect of sequence changes on RNA splicing suggest that this variant is not likely to affect RNA splicing. ClinVar contains an entry for this variant (Variation ID: 872632). This variant has not been reported in the literature in individuals affected with PRICKLE1-related conditions. This variant is present in population databases (rs764025084, gnomAD 0.0009%). This sequence change falls in intron 4 of the PRICKLE1 gene. It does not directly change the encoded amino acid sequence of the PRICKLE1 protein. It affects a nucleotide within the consensus splice site.

CeGaT Center for Human Genetics Tuebingen
Classification: Uncertain significance. Last evaluated: 2019-09-01. Review status: criteria provided, single submitter. Criteria: CeGaT Center For Human Genetics Tuebingen Variant Classification Criteria Version 2. Collection method: clinical testing. Allele origin: germline. Affected: yes. Observed: 1 variant allele.

Literature cited by the submitters: PubMed 17576681 (cited by Labcorp Genetics (formerly Invitae), Labcorp); PubMed 9536098 (cited by Labcorp Genetics (formerly Invitae), Labcorp).

NM_153026.3(PRICKLE1):c.384+6C>A

Gene: PRICKLE1 (prickle planar cell polarity protein 1; minus strand). Cytogenetic location: 12q12.
Variant type: single nucleotide variant.
Coding change: c.384+6C>A on transcript NM_153026.3 (MANE Select); 6 bases into the intron after coding-DNA position 384, C replaced by A.
Molecular consequence: intron variant.
Genome position (GRCh38, 1-based): chr12:42,469,444, G>T on the plus strand (C>A on the coding strand, the complement: PRICKLE1 is on the minus strand). VCF-style: chr12-42469444-G-T. GRCh37 (hg19) VCF-style: chr12-42863246-G-T.
Other names: c.384+6C>A (NM_001144883.2, NM_001144882.2, NM_001144881.2).
Identifiers: ClinVar variation 872632 (VCV000872632.45), dbSNP rs764025084, ClinGen allele CA6519931.
Genomic context (GRCh38, chr12:42,469,444, plus strand): 5'-ACCCCCGACTGTCCACCCCATCCACATCACTGCCACAAGCTACGCATCAGAGAAGGGGCT[G>T]CTCACCTGCTCACACACAGCATGCATGACTGCTCTGGACAGAAGCTTAATTGTTCCTCTT-3'